The following is an entry in ClinVar:

ClinVar aggregate classification (germline): Uncertain significance (1 of 4 stars; one submission).

Conditions:
KBG syndrome (KBGS). Also called: ANKRD11-Related KBG Syndrome. Identifiers: Orphanet 2332, MedGen C0220687, MONDO:0007846, OMIM 148050.

Submission:

Labcorp Genetics (formerly Invitae), Labcorp
Classification: Uncertain significance for KBG syndrome. Last evaluated: 2023-11-12. Review status: criteria provided, single submitter. Criteria: Invitae Variant Classification Sherloc (09022015). Collection method: clinical testing. Allele origin: germline.
Comment: This sequence change replaces proline, which is neutral and non-polar, with leucine, which is neutral and non-polar, at codon 1722 of the ANKRD11 protein (p.Pro1722Leu). This variant is not present in population databases (gnomAD no frequency). This variant has not been reported in the literature in individuals affected with ANKRD11-related conditions. Advanced modeling of protein sequence and biophysical properties (such as structural, functional, and spatial information, amino acid conservation, physicochemical variation, residue mobility, and thermodynamic stability) performed at Invitae indicates that this missense variant is not expected to disrupt ANKRD11 protein function with a negative predictive value of 95%. In summary, the available evidence is currently insufficient to determine the role of this variant in disease. Therefore, it has been classified as a Variant of Uncertain Significance.

NM_013275.6(ANKRD11):c.5165C>T (p.Pro1722Leu)

Gene: ANKRD11 (ankyrin repeat domain 11; minus strand). Cytogenetic location: 16q24.3.
Variant type: single nucleotide variant.
Coding change: c.5165C>T on transcript NM_013275.6 (MANE Select); coding-DNA position 5165, C replaced by T.
Protein change: p.Pro1722Leu; replaces proline 1722 with leucine.
Molecular consequence: missense variant.
Genome position (GRCh38, 1-based): chr16:89,281,377, G>A on the plus strand (C>T on the coding strand, the complement: ANKRD11 is on the minus strand). VCF-style: chr16-89281377-G-A. GRCh37 (hg19) VCF-style: chr16-89347785-G-A.
Other names: c.5165C>T, p.Pro1722Leu (NM_001256182.2, NM_001256183.2); short protein forms P1722L.
Identifiers: ClinVar variation 2695299 (VCV002695299.3), dbSNP rs2544229370, ClinGen allele CA397155354.